The following is an entry in ClinVar:

ClinVar aggregate classification (germline): Uncertain significance (1 of 4 stars; one submission).

Conditions:
Hereditary cancer-predisposing syndrome. Also called: Neoplastic Syndromes, Hereditary; Tumor predisposition; Hereditary Cancer Syndrome; Hereditary neoplastic syndrome. Identifiers: Orphanet 140162, MedGen C0027672, MeSH D009386, MONDO:0015356.

gnomAD v4.1: 1 of 1,614,110 alleles (0.000062%); highest among the groups gnomAD compares: Non-Finnish European, 0.000085%; no homozygotes.

Submission:

Ambry Genetics
Classification: Uncertain significance for Hereditary cancer-predisposing syndrome. Last evaluated: 2026-02-27. Review status: criteria provided, single submitter. Criteria: Ambry Variant Classification Scheme 2023. Collection method: clinical testing. Allele origin: germline.
Comment: The p.Q376H variant (also known as c.1128G>C), located in coding exon 8 of the FH gene, results from a G to C substitution at nucleotide position 1128. The glutamine at codon 376 is replaced by histidine, an amino acid with highly similar properties. This amino acid position is highly conserved in available vertebrate species. In addition, this alteration is predicted to be deleterious by in silico analysis. Based on the available evidence, the clinical significance of this variant remains unclear.

NM_000143.4(FH):c.1128G>C (p.Gln376His)

Gene: FH (fumarate hydratase; minus strand). Cytogenetic location: 1q43.
Variant type: single nucleotide variant.
Coding change: c.1128G>C on transcript NM_000143.4 (MANE Select); coding-DNA position 1128, G replaced by C.
Protein change: p.Gln376His; replaces glutamine 376 with histidine.
Molecular consequence: missense variant.
Genome position (GRCh38, 1-based): chr1:241,502,551, C>G on the plus strand (G>C on the coding strand, the complement: FH is on the minus strand). VCF-style: chr1-241502551-C-G. GRCh37 (hg19) VCF-style: chr1-241665851-C-G.
Other names: short protein forms Q376H.
Identifiers: ClinVar variation 4838648 (VCV004838648.1).